The following is an entry in ClinVar:

NM_033131.4(WNT3A):c.418A>C (p.Ser140Arg)

Gene: WNT3A (Wnt family member 3A; plus strand). Cytogenetic location: 1q42.13.
Variant type: single nucleotide variant.
Coding change: c.418A>C on transcript NM_033131.4 (MANE Select); coding-DNA position 418, A replaced by C.
Protein change: p.Ser140Arg; replaces serine 140 with arginine.
Molecular consequence: missense variant.
Genome position (GRCh38, 1-based): chr1:228,050,760, A>C. VCF-style: chr1-228050760-A-C. GRCh37 (hg19) VCF-style: chr1-228238461-A-C.
Other names: short protein forms S140R.
Identifiers: ClinVar variation 3672414 (VCV003672414.2).

ClinVar aggregate classification (germline): Uncertain significance (1 of 4 stars; one submission).

gnomAD v4.1: 1 of 1,613,988 alleles (0.000062%); highest among the groups gnomAD compares: Non-Finnish European, 0.000085%; no homozygotes.

Submission:

Labcorp Genetics (formerly Invitae), Labcorp
Classification: Uncertain significance. Last evaluated: 2024-10-22. Review status: criteria provided, single submitter. Criteria: Invitae Variant Classification Sherloc (09022015). Collection method: clinical testing. Allele origin: germline.
Comment: This sequence change replaces serine, which is neutral and polar, with arginine, which is basic and polar, at codon 140 of the WNT3A protein (p.Ser140Arg). This variant is not present in population databases (gnomAD no frequency). This variant has not been reported in the literature in individuals affected with WNT3A-related conditions. Invitae Evidence Modeling of protein sequence and biophysical properties (such as structural, functional, and spatial information, amino acid conservation, physicochemical variation, residue mobility, and thermodynamic stability) indicates that this missense variant is not expected to disrupt WNT3A protein function with a negative predictive value of 80%. In summary, the available evidence is currently insufficient to determine the role of this variant in disease. Therefore, it has been classified as a Variant of Uncertain Significance.